The following is an entry in ClinVar:

NM_018975.4(TERF2IP):c.1096G>T (p.Asp366Tyr)

Gene: TERF2IP (TERF2 interacting protein; plus strand). Cytogenetic location: 16q23.1.
Variant type: single nucleotide variant.
Coding change: c.1096G>T on transcript NM_018975.4 (MANE Select); coding-DNA position 1096, G replaced by T.
Protein change: p.Asp366Tyr; replaces aspartic acid 366 with tyrosine.
Molecular consequence: missense variant. On other transcripts: non-coding transcript variant (1).
Genome position (GRCh38, 1-based): chr16:75,656,507, G>T. VCF-style: chr16-75656507-G-T. GRCh37 (hg19) VCF-style: chr16-75690405-G-T.
Other names: short protein forms D366Y.
Identifiers: ClinVar variation 1790763 (VCV001790763.2), dbSNP rs2507089849, ClinGen allele CA396820252.

ClinVar aggregate classification (germline): Uncertain significance (1 of 4 stars; one submission).

Allele frequency attached by ClinVar (database versions not stated): gnomAD exomes 0.00001.

Submission:

Ambry Genetics
Classification: Uncertain significance. Last evaluated: 2021-12-30. Review status: criteria provided, single submitter. Criteria: Ambry Variant Classification Scheme 2023. Collection method: clinical testing. Allele origin: germline.
Comment: The p.D366Y variant (also known as c.1096G>T), located in coding exon 3 of the TERF2IP gene, results from a G to T substitution at nucleotide position 1096. The aspartic acid at codon 366 is replaced by tyrosine, an amino acid with highly dissimilar properties. This amino acid position is conserved. In addition, this alteration is predicted to be deleterious by in silico analysis. Since supporting evidence is limited at this time, the clinical significance of this alteration remains unclear.